The following is an entry in ClinVar:

NM_024642.5(GALNT12):c.336A>G (p.Ser112=)

Gene: GALNT12 (polypeptide N-acetylgalactosaminyltransferase 12; plus strand). Cytogenetic location: 9q22.33.
Variant type: single nucleotide variant.
Coding change: c.336A>G on transcript NM_024642.5 (MANE Select); coding-DNA position 336, A replaced by G.
Protein change: p.Ser112=; no amino-acid change (serine 112 retained).
Molecular consequence: synonymous variant.
Genome position (GRCh38, 1-based): chr9:98,808,034, A>G. VCF-style: chr9-98808034-A-G. GRCh37 (hg19) VCF-style: chr9-101570316-A-G.
Identifiers: ClinVar variation 762757 (VCV000762757.12), dbSNP rs1305094965, ClinGen allele CA466647634.
Genomic context (GRCh38, chr9:98,808,034, plus strand): 5'-GCTGCAGGAGGAGAGCGTGCGGCTGCACCAGATTAACATCTACCTCAGCGACCGCATCTC[A>G]CTGCACCGCCGCCTGCCCGAGCGCTGGAACCCGCTGTGAGTGCACAGCTCTGGGGAGGAA-3'
Protein context (NP_078918.3, residues 102-122): QINIYLSDRI[Ser112=]LHRRLPERWN

ClinVar aggregate classification (germline): Benign/Likely benign. Review status: criteria provided, multiple submitters, no conflicts (2 of 4 stars). 3 submissions from 3 submitters: Benign (1); Likely benign (2). Last evaluated 2026-04-23.

Conditions:
Colorectal cancer, susceptibility to, 1. Also called: COLORECTAL ADENOMA AND CANCER, SUSCEPTIBILITY TO; COLORECTAL CANCER, SUSCEPTIBILITY TO, ON CHROMOSOME 9. Identifiers: MedGen C1837315, MONDO:0012132, OMIM 608812.

Allele frequency attached by ClinVar (database versions not stated): TOPMed below 0.00001; gnomAD 0.00001.

Submissions (3):

Myriad Genetics, Inc.
Classification: Benign for Colorectal cancer, susceptibility to, 1. Last evaluated: 2026-04-23. Review status: criteria provided, single submitter. Criteria: Myriad Autosomal Dominant, Autosomal Recessive and X-Linked Classification Criteria (2023). Collection method: clinical testing. Allele origin: unknown.
Comment: This variant is considered benign. This variant is a silent/synonymous amino acid change and it is not expected to impact splicing.

Labcorp Genetics (formerly Invitae), Labcorp
Classification: Likely benign. Last evaluated: 2025-07-15. Review status: criteria provided, single submitter. Criteria: Invitae Variant Classification Sherloc (09022015). Collection method: clinical testing. Allele origin: germline.

Ambry Genetics
Classification: Likely benign. Last evaluated: 2020-03-27. Review status: criteria provided, single submitter. Criteria: Ambry Variant Classification Scheme 2023. Collection method: clinical testing. Allele origin: germline.